The following is an entry in ClinVar:

NM_020312.4(COQ9):c.242+5G>A

Gene: COQ9 (coenzyme Q9; plus strand). Cytogenetic location: 16q21.
Variant type: single nucleotide variant.
Coding change: c.242+5G>A on transcript NM_020312.4 (MANE Select); 5 bases into the intron after coding-DNA position 242, G replaced by A.
Molecular consequence: intron variant.
Genome position (GRCh38, 1-based): chr16:57,451,213, G>A. VCF-style: chr16-57451213-G-A. GRCh37 (hg19) VCF-style: chr16-57485125-G-A.
Other names: c.242+5G>A (NM_020312.3).
Identifiers: ClinVar variation 214244 (VCV000214244.5), dbSNP rs377352007, ClinGen allele CA320474.

ClinVar aggregate classification (germline): Uncertain significance. Review status: criteria provided, multiple submitters, no conflicts (2 of 4 stars). 3 submissions from 3 submitters: Uncertain significance (3). Last evaluated 2023-12-08.

Conditions:
Inborn genetic diseases. Identifiers: MedGen C0950123, MeSH D030342.

Allele frequency attached by ClinVar (database versions not stated): gnomAD exomes 0.00004 and 0.00006; ExAC 0.00005; gnomAD 0.00007; ESP Exome Variant Server 0.00008; TOPMed 0.00009.
gnomAD v4.1: 101 of 1,613,998 alleles (0.0063%); highest among the groups gnomAD compares: African/African-American, 0.0093%; no homozygotes.

Submissions (3):

GeneDx
Classification: Uncertain significance. Last evaluated: 2023-12-08. Review status: criteria provided, single submitter. Criteria: GeneDx Variant Classification Process June 2021. Collection method: clinical testing. Allele origin: germline. Affected: yes.
Comment: Has not been previously published as pathogenic or benign to our knowledge; Not observed at significant frequency in large population cohorts (gnomAD); In silico analysis supports that this variant does not alter splicing

Labcorp Genetics (formerly Invitae), Labcorp
Classification: Uncertain significance. Last evaluated: 2022-07-24. Review status: criteria provided, single submitter. Criteria: Invitae Variant Classification Sherloc (09022015). Collection method: clinical testing. Allele origin: germline.
Comment: This sequence change falls in intron 2 of the COQ9 gene. It does not directly change the encoded amino acid sequence of the COQ9 protein. It affects a nucleotide within the consensus splice site. This variant is present in population databases (rs377352007, gnomAD 0.01%). This variant has not been reported in the literature in individuals affected with COQ9-related conditions. ClinVar contains an entry for this variant (Variation ID: 214244). Variants that disrupt the consensus splice site are a relatively common cause of aberrant splicing (PMID: 17576681, 9536098). Algorithms developed to predict the effect of sequence changes on RNA splicing suggest that this variant is not likely to affect RNA splicing. In summary, the available evidence is currently insufficient to determine the role of this variant in disease. Therefore, it has been classified as a Variant of Uncertain Significance.

Ambry Genetics
Classification: Uncertain significance for Inborn genetic diseases. Last evaluated: 2022-07-05. Review status: criteria provided, single submitter. Criteria: Ambry Variant Classification Scheme 2023. Collection method: clinical testing. Allele origin: germline.
Comment: The c.242+5G>A intronic alteration consists of a G to A substitution nucleotides after coding exon 2 in the COQ9 gene. Based on insufficient or conflicting evidence, the clinical significance of this alteration remains unclear.

Literature cited by the submitters: PubMed 17576681 (cited by Labcorp Genetics (formerly Invitae), Labcorp); PubMed 9536098 (cited by Labcorp Genetics (formerly Invitae), Labcorp).